The following is an entry in ClinVar:

ClinVar aggregate classification (germline): Uncertain significance. Review status: criteria provided, multiple submitters, no conflicts (2 of 4 stars). 2 submissions from 2 submitters: Uncertain significance (2). Last evaluated 2025-02-12.

Allele frequency attached by ClinVar (database versions not stated): TOPMed below 0.00001; gnomAD 0.00001; gnomAD exomes 0.00002; ExAC 0.00003.

Submissions (2):

Ambry Genetics
Classification: Uncertain significance. Last evaluated: 2025-02-12. Review status: criteria provided, single submitter. Criteria: Ambry Variant Classification Scheme 2023. Collection method: clinical testing. Allele origin: germline.

Labcorp Genetics (formerly Invitae), Labcorp
Classification: Uncertain significance. Last evaluated: 2024-06-12. Review status: criteria provided, single submitter. Criteria: Invitae Variant Classification Sherloc (09022015). Collection method: clinical testing. Allele origin: germline.
Comment: This sequence change replaces alanine, which is neutral and non-polar, with valine, which is neutral and non-polar, at codon 497 of the LRRC8A protein (p.Ala497Val). This variant is present in population databases (rs756050286, gnomAD 0.003%). This variant has not been reported in the literature in individuals affected with LRRC8A-related conditions. An algorithm developed to predict the effect of missense changes on protein structure and function (PolyPhen-2) suggests that this variant is likely to be tolerated. In summary, the available evidence is currently insufficient to determine the role of this variant in disease. Therefore, it has been classified as a Variant of Uncertain Significance.

NM_019594.4(LRRC8A):c.1490C>T (p.Ala497Val)

Gene: LRRC8A (leucine rich repeat containing 8 VRAC subunit A; plus strand). Cytogenetic location: 9q34.11.
Variant type: single nucleotide variant.
Coding change: c.1490C>T on transcript NM_019594.4 (MANE Select); coding-DNA position 1490, C replaced by T.
Protein change: p.Ala497Val; replaces alanine 497 with valine.
Molecular consequence: missense variant.
Genome position (GRCh38, 1-based): chr9:128,908,654, C>T. VCF-style: chr9-128908654-C-T. GRCh37 (hg19) VCF-style: chr9-131670933-C-T.
Other names: c.1490C>T, p.Ala497Val (NM_001127244.2, NM_001127245.2); c.1490C>T (NM_001127244.1); short protein forms A497V.
Identifiers: ClinVar variation 2783865 (VCV002783865.4), dbSNP rs756050286, ClinGen allele CA5270895.
Genomic context (GRCh38, chr9:128,908,654, plus strand): 5'-ACCACACAGCGGCCAAGATTGAAGCGCCCGCGCTGGCCTTCCTGCGTGAGAACCTGCGGG[C>T]GCTGCACATCAAGTTCACCGACATCAAGGAGATCCCGCTGTGGATCTATAGCCTGAAGAC-3'
Protein context (NP_062540.2, residues 487-507): ALAFLRENLR[Ala497Val]LHIKFTDIKE